The following is an entry in ClinVar:

NM_001083619.3(GRIA2):c.140G>A (p.Gly47Glu)

Gene: GRIA2 (glutamate ionotropic receptor AMPA type subunit 2; plus strand). Cytogenetic location: 4q32.1.
Variant type: single nucleotide variant.
Coding change: c.140G>A on transcript NM_001083619.3 (MANE Select); coding-DNA position 140, G replaced by A.
Protein change: p.Gly47Glu; replaces glycine 47 with glutamic acid.
Molecular consequence: missense variant. On other transcripts: 5 prime UTR variant (3).
Genome position (GRCh38, 1-based): chr4:157,221,718, G>A. VCF-style: chr4-157221718-G-A. GRCh37 (hg19) VCF-style: chr4-158142870-G-A.
Other names: c.140G>A, p.Gly47Glu (NM_000826.6); c.-2G>A (NM_001083620.3, NM_001379000.3, NM_001379001.3); short protein forms G47E.
Identifiers: ClinVar variation 1064416 (VCV001064416.1), dbSNP rs2126669313, ClinGen allele CA358643422.
Genomic context (GRCh38, chr4:157,221,718, plus strand): 5'-TCTTTGCAGGGGGGCTATTTCCTAGGGGCGCCGATCAAGAATACAGTGCATTTCGAGTAG[G>A]GATGGTTCAGTTTTCCACTTCGGAGTTCAGACTGACACCCCACATCGACAATTTGGAGGT-3'
Protein context (NP_001077088.2, residues 37-57): ADQEYSAFRV[Gly47Glu]MVQFSTSEFR

ClinVar aggregate classification (germline): Uncertain significance (1 of 4 stars; one submission).

Conditions:
Neurodevelopmental disorder with language impairment and behavioral abnormalities. Also called: GRIA2-related neurodevelopmental disorder. Identifiers: MedGen C5394502, MONDO:0030060, OMIM 618917.

Submission:

SIB Swiss Institute of Bioinformatics
Classification: Uncertain significance for Neurodevelopmental disorder with language impairment and behavioral abnormalities. Last evaluated: 2021-04-01. Review status: criteria provided, single submitter. Criteria: ACMG Guidelines, 2015. Collection method: curation. Allele origin: unknown.
Comment: This variant is interpreted as a variant of uncertain significance for Neurodevelopmental disorder with language impairment and behavioral abnormalities, autosomal dominant. The following ACMG Tag(s) were applied: Absent from controls (or at extremely low frequency if recessive) in Exome Sequencing Project, 1000 Genomes Project, or Exome Aggregation Consortium (PM2); De novo (assumed de novo) (PM6 downgraded to supporting); Missense variant in a gene that has a low rate of benign missense variation and in which missense variants are a common mechanism of disease (PP2); Well-established functional studies show a deleterious effect (PS3 downgraded to supporting).

Literature cited by the submitters: PubMed 31300657.